The following is an entry in ClinVar:

NM_001171613.2(PREPL):c.1797C>T (p.Gly599=)

Genes: PREPL (prolyl endopeptidase like; minus strand), SLC3A1 (solute carrier family 3 member 1; plus strand). Cytogenetic location: 2p21.
Variant type: single nucleotide variant.
Coding change: c.1797C>T on transcript NM_001171613.2 (MANE Select); coding-DNA position 1797, C replaced by T.
Protein change: p.Gly599=; no amino-acid change (glycine 599 retained).
Molecular consequence: synonymous variant.
Genome position (GRCh38, 1-based): chr2:44,321,857, G>A on the plus strand (C>T on the coding strand, the complement: PREPL is on the minus strand). VCF-style: chr2-44321857-G-A. GRCh37 (hg19) VCF-style: chr2-44548996-G-A.
Other names: c.1878C>T, p.Gly626= (NM_001042385.2); c.1866C>T, p.Gly622= (NM_001042386.2); c.2064C>T, p.Gly688= (NM_001171603.1, NM_001171606.2, NM_001374275.1 and 2 more transcripts); c.1797C>T, p.Gly599= (NM_001171617.1, NM_001374277.1).
Identifiers: ClinVar variation 1053970 (VCV001053970.8), dbSNP rs1481266767, ClinGen allele CA425923333.

ClinVar aggregate classification (germline): Uncertain significance (1 of 4 stars; one submission).

Conditions:
Myasthenic syndrome, congenital, 22 (CMS22). Also called: PREPL DEFICIENCY. Identifiers: MedGen C4479088, MONDO:0044299, OMIM 616224.

Allele frequency attached by ClinVar (database versions not stated): gnomAD exomes 0.00001; TOPMed 0.00002; gnomAD 0.00003.
gnomAD v4.1: 19 of 1,613,546 alleles (0.0012%); highest among the groups gnomAD compares: Non-Finnish European, 0.0015%; no homozygotes.

Submission:

Labcorp Genetics (formerly Invitae), Labcorp
Classification: Uncertain significance for Myasthenic syndrome, congenital, 22. Last evaluated: 2022-10-17. Review status: criteria provided, single submitter. Criteria: Invitae Variant Classification Sherloc (09022015). Collection method: clinical testing. Allele origin: germline.
Comment: This variant is present in population databases (no rsID available, gnomAD 0.007%). In summary, the available evidence is currently insufficient to determine the role of this variant in disease. Therefore, it has been classified as a Variant of Uncertain Significance. Algorithms developed to predict the effect of sequence changes on RNA splicing suggest that this variant may disrupt the consensus splice site. ClinVar contains an entry for this variant (Variation ID: 1053970). This variant has not been reported in the literature in individuals affected with PREPL-related conditions. This sequence change affects codon 688 of the PREPL mRNA. It is a 'silent' change, meaning that it does not change the encoded amino acid sequence of the PREPL protein.